The following is an entry in ClinVar:

NM_025137.4(SPG11):c.4462_4463del (p.Val1488fs)

Gene: SPG11 (SPG11 vesicle trafficking associated, spatacsin; minus strand). Cytogenetic location: 15q21.1.
Variant type: Microsatellite.
Coding change: c.4462_4463del on transcript NM_025137.4 (MANE Select); coding-DNA positions 4462 to 4463, 2 bases deleted (GT; older notation c.4462_4463delGT).
Protein change: p.Val1488fs; shifts the reading frame from valine 1488.
Molecular consequence: frameshift variant.
Genome position (GRCh38, 1-based): chr15:44,595,431-44,595,432, AC deleted on the plus strand (GT on the coding strand, the reverse complement: SPG11 is on the minus strand); deleting any 2 consecutive bases within chr15:44,595,431-44,595,435 gives the same sequence; the c. name uses the placement nearest the transcript's 3' end. VCF-style (leftmost placement, unchanged base first): chr15-44595430-AAC-A. GRCh37 (hg19) VCF-style: chr15-44887628-AAC-A.
Other names: c.4461_4462delGT (NM_025137.3); c.4462_4463del, p.Val1488fs (NM_001160227.2); short protein forms V1488fs.
Identifiers: ClinVar variation 41317 (VCV000041317.9), dbSNP rs587777921, ClinGen allele CA344346.

ClinVar aggregate classification (germline): Pathogenic. Review status: criteria provided, multiple submitters, no conflicts (2 of 4 stars). 4 submissions from 4 submitters: Pathogenic (2). 2 of the submissions do not count toward it. Last evaluated 2025-11-26.

Conditions:
Hereditary spastic paraplegia 11. Also called: Spastic Paraplegia 11; Autosomal recessive hereditary spastic paraplegia, mental impairment, and thin corpus callosum; Nakamura Osame syndrome; SPASTIC PARAPLEGIA, AUTOSOMAL RECESSIVE, COMPLICATED, WITH THIN CORPUS CALLOSUM; SPASTIC PARAPLEGIA, AUTOSOMAL RECESSIVE, WITH MENTAL IMPAIRMENT AND THIN CORPUS CALLOSUM; Spastic paraplegia, mental retardation and thin corpus callosum. Identifiers: Orphanet 2822, MedGen C1858479, MONDO:0011445, OMIM 604360.
Charcot-Marie-Tooth disease axonal type 2X. Also called: CHARCOT-MARIE-TOOTH DISEASE, AXONAL, AUTOSOMAL RECESSIVE, TYPE 2X; CHARCOT-MARIE-TOOTH NEUROPATHY, TYPE 2X. Identifiers: Orphanet 466775, MedGen C5569024, MONDO:0014726, OMIM 616668.
Amyotrophic lateral sclerosis type 5 (ALS5). Also called: AMYOTROPHIC LATERAL SCLEROSIS 5, JUVENILE. Identifiers: Orphanet 300605, MedGen C1865864, MONDO:0011196, OMIM 602099.

Submissions (4):

Labcorp Genetics (formerly Invitae), Labcorp
Classification: Pathogenic for Hereditary spastic paraplegia 11. Last evaluated: 2025-11-26. Review status: criteria provided, single submitter. Criteria: Invitae Variant Classification Sherloc (09022015). Collection method: clinical testing. Allele origin: germline.
Comment: This sequence change creates a premature translational stop signal (p.Val1488Leufs*13) in the SPG11 gene. It is expected to result in an absent or disrupted protein product. Loss-of-function variants in SPG11 are known to be pathogenic (PMID: 19105190, 20110243, 22154821, 26556829). This variant is present in population databases (rs780367421, gnomAD 0.02%). This premature translational stop signal has been observed in individual(s) with hereditary spastic paraplegia (PMID: 18408091). This variant is also known as c.4461..4462delGT (p.Cys1487fs). For these reasons, this variant has been classified as Pathogenic.

Fulgent Genetics
Classification: Pathogenic for Amyotrophic lateral sclerosis type 5; Hereditary spastic paraplegia 11; Charcot-Marie-Tooth disease axonal type 2X. Last evaluated: 2022-03-23. Review status: criteria provided, single submitter. Criteria: ACMG Guidelines, 2015. Collection method: clinical testing. Allele origin: unknown.

GeneReviews
Classification: Pathogenic for Spastic Paraplegia 11. Last evaluated: 2013-01-31. Review status: no assertion criteria provided. Collection method: curation. Allele origin: unknown. Not counted in ClinVar's aggregate classification.
ClinVar note: Converted during submission from pathologic to Pathogenic.

Hong-Tao Li Lab, Institute of Brain Science and Brain-inspired Research, Shandong First Medical University & Shandong Academy of Medical Sciences China
Classification: Pathogenic for Hereditary spastic paraplegia 11. Review status: no assertion criteria provided. Collection method: research. Allele origin: germline. Inheritance: Autosomal recessive inheritance. Affected: yes. Observed: 1 variant allele, 1 homozygote. Not counted in ClinVar's aggregate classification.
Comment: Observed in affected individuals from a Pakistani neurodevelopmental-disorder research cohort of 263 individuals. Classification assigned using the ACMG/AMP framework.

Literature cited by the submitters: PubMed 19105190 (cited by Labcorp Genetics (formerly Invitae), Labcorp); PubMed 20110243 (cited by Labcorp Genetics (formerly Invitae), Labcorp); PubMed 22154821 (cited by Labcorp Genetics (formerly Invitae), Labcorp); PubMed 26556829 (cited by Labcorp Genetics (formerly Invitae), Labcorp); PubMed 18408091 (cited by Labcorp Genetics (formerly Invitae), Labcorp).